The following is an entry in ClinVar:

NM_006662.3(SRCAP):c.3212T>G (p.Leu1071Arg)

Gene: SRCAP (Snf2 related CREBBP activator protein; plus strand). Cytogenetic location: 16p11.2.
Variant type: single nucleotide variant.
Coding change: c.3212T>G on transcript NM_006662.3 (MANE Select); coding-DNA position 3212, T replaced by G.
Protein change: p.Leu1071Arg; replaces leucine 1071 with arginine.
Molecular consequence: missense variant.
Genome position (GRCh38, 1-based): chr16:30,720,937, T>G. VCF-style: chr16-30720937-T-G. GRCh37 (hg19) VCF-style: chr16-30732258-T-G.
Other names: short protein forms L1071R.
Identifiers: ClinVar variation 4764276 (VCV004764276.1).

ClinVar aggregate classification (germline): Uncertain significance (1 of 4 stars; one submission).

Submission:

Labcorp Genetics (formerly Invitae), Labcorp
Classification: Uncertain significance. Last evaluated: 2025-07-08. Review status: criteria provided, single submitter. Criteria: Invitae Variant Classification Sherloc (09022015). Collection method: clinical testing. Allele origin: germline.
Comment: This sequence change replaces leucine, which is neutral and non-polar, with arginine, which is basic and polar, at codon 1071 of the SRCAP protein (p.Leu1071Arg). This variant is not present in population databases (gnomAD no frequency). This variant has not been reported in the literature in individuals affected with SRCAP-related conditions. Invitae Evidence Modeling of protein sequence and biophysical properties (such as structural, functional, and spatial information, amino acid conservation, physicochemical variation, residue mobility, and thermodynamic stability) indicates that this missense variant is not expected to disrupt SRCAP protein function with a negative predictive value of 80%. In summary, the available evidence is currently insufficient to determine the role of this variant in disease. Therefore, it has been classified as a Variant of Uncertain Significance.